The following is an entry in ClinVar:

ClinVar aggregate classification (germline): Uncertain significance (1 of 4 stars; one submission).

Submission:

GeneDx
Classification: Uncertain significance. Last evaluated: 2023-05-15. Review status: criteria provided, single submitter. Criteria: GeneDx Variant Classification Process June 2021. Collection method: clinical testing. Allele origin: germline. Affected: yes.
Comment: Not observed at significant frequency in large population cohorts (gnomAD); In silico analysis supports that this missense variant does not alter protein structure/function; Has not been previously published as pathogenic or benign to our knowledge; Located in the zonadhesin (ZA) and von Willebrand factor type C (VWFC) domains (Hildebrand et al., 2011; Yasukawa et al., 2019; Verhoeven et al., 1998); This variant is associated with the following publications: (PMID: 21520338, 9590290, 31554319)

NM_005422.4(TECTA):c.873G>T (p.Glu291Asp)

Genes: TBCEL-TECTA (TBCEL-TECTA readthrough; plus strand), TECTA (tectorin alpha; plus strand). Cytogenetic location: 11q23.3.
Variant type: single nucleotide variant.
Coding change: c.873G>T on transcript NM_005422.4 (MANE Select); coding-DNA position 873, G replaced by T.
Protein change: p.Glu291Asp; replaces glutamic acid 291 with aspartic acid.
Molecular consequence: missense variant.
Genome position (GRCh38, 1-based): chr11:121,118,388, G>T. VCF-style: chr11-121118388-G-T. GRCh37 (hg19) VCF-style: chr11-120989097-G-T.
Other names: c.1830G>T, p.Glu610Asp (NM_001378761.1); short protein forms E291D, E610D.
Identifiers: ClinVar variation 3343393 (VCV003343393.1).